The following is an entry in ClinVar:

ClinVar aggregate classification (germline): Conflicting classifications of pathogenicity. Review status: criteria provided, conflicting classifications (1 of 4 stars). 2 submissions from 2 submitters: Uncertain significance (1); Likely benign (1). Last evaluated 2023-03-23.

Conditions:
Hereditary cancer-predisposing syndrome. Also called: Hereditary Cancer Syndrome; Tumor predisposition; Hereditary neoplastic syndrome; Neoplastic Syndromes, Hereditary. Identifiers: Orphanet 140162, MedGen C0027672, MeSH D009386, MONDO:0015356.
Hereditary breast ovarian cancer syndrome. Also called: Hereditary breast and/or ovarian cancer syndrome; Hereditary breast and ovarian cancer syndrome; Hereditary breast and ovarian cancer syndrome (HBOC); Breast and ovarian cancer; Hereditary breast and ovarian cancer; BRCA1- and BRCA2-Associated Hereditary Breast and Ovarian Cancer. Identifiers: Orphanet 145, MedGen C0677776, MeSH D061325, MONDO:0003582. Disease mechanism: loss of function.

Submissions (2):

University of Washington Department of Laboratory Medicine, University of Washington
Classification: Likely benign for Hereditary cancer-predisposing syndrome. Last evaluated: 2023-03-23. Review status: criteria provided, single submitter. Criteria: Dines et al. (Genet Med. 2020). Collection method: curation. Allele origin: germline.
Comment: Missense variant in a coldspot region where missense variants are very unlikely to be pathogenic (PMID:31911673).

BRCA2 exon 11 coldspot. Reclassification based on statistical prior probability.

Labcorp Genetics (formerly Invitae), Labcorp
Classification: Uncertain significance for Hereditary breast ovarian cancer syndrome. Last evaluated: 2022-07-22. Review status: criteria provided, single submitter. Criteria: Invitae Variant Classification Sherloc (09022015). Collection method: clinical testing. Allele origin: germline.
Comment: In summary, the available evidence is currently insufficient to determine the role of this variant in disease. Therefore, it has been classified as a Variant of Uncertain Significance. Advanced modeling of protein sequence and biophysical properties (such as structural, functional, and spatial information, amino acid conservation, physicochemical variation, residue mobility, and thermodynamic stability) performed at Invitae indicates that this missense variant is not expected to disrupt BRCA2 protein function. ClinVar contains an entry for this variant (Variation ID: 1047318). This variant has not been reported in the literature in individuals affected with BRCA2-related conditions. This variant is not present in population databases (gnomAD no frequency). This sequence change replaces leucine, which is neutral and non-polar, with serine, which is neutral and polar, at codon 1952 of the BRCA2 protein (p.Leu1952Ser).

NM_000059.4(BRCA2):c.5855T>C (p.Leu1952Ser)

Gene: BRCA2 (BRCA2 DNA repair associated; plus strand). Cytogenetic location: 13q13.1.
Variant type: single nucleotide variant.
Coding change: c.5855T>C on transcript NM_000059.4 (MANE Select); coding-DNA position 5855, T replaced by C.
Protein change: p.Leu1952Ser; replaces leucine 1952 with serine.
Molecular consequence: missense variant.
Genome position (GRCh38, 1-based): chr13:32,340,210, T>C. VCF-style: chr13-32340210-T-C. GRCh37 (hg19) VCF-style: chr13-32914347-T-C.
Other names: short protein forms L1952S.
Identifiers: ClinVar variation 1047318 (VCV001047318.10), dbSNP rs375064902, ClinGen allele CA387787407.